The following is an entry in ClinVar:

NM_000553.6(WRN):c.97-4C>T

Gene: WRN (WRN RecQ like helicase; plus strand). Cytogenetic location: 8p12.
Variant type: single nucleotide variant.
Coding change: c.97-4C>T on transcript NM_000553.6 (MANE Select); 4 bases into the intron before coding-DNA position 97, C replaced by T.
Molecular consequence: intron variant.
Genome position (GRCh38, 1-based): chr8:31,059,149, C>T. VCF-style: chr8-31059149-C-T. GRCh37 (hg19) VCF-style: chr8-30916665-C-T.
Identifiers: ClinVar variation 2093689 (VCV002093689.4), dbSNP rs2487269110, ClinGen allele CA2580078130.
Genomic context (GRCh38, chr8:31,059,149, plus strand): 5'-TTTCAGTGAACATTTGTTATTTGATGTGAACTTTGTGCCTGTTTTGAAATTTACTAAACT[C>T]AAGGCATGTGTTCGGAAGAGTGTTTTTGAAGATGACCTCCCCTTCTTAGAATTCACTGGA-3'

ClinVar aggregate classification (germline): Uncertain significance (1 of 4 stars; one submission).

Conditions:
Werner syndrome (WRN). Identifiers: Orphanet 902, MedGen C0043119, MONDO:0010196, OMIM 277700.

Submission:

Labcorp Genetics (formerly Invitae), Labcorp
Classification: Uncertain significance for Werner syndrome. Last evaluated: 2022-05-28. Review status: criteria provided, single submitter. Criteria: Invitae Variant Classification Sherloc (09022015). Collection method: clinical testing. Allele origin: germline.
Comment: Algorithms developed to predict the effect of sequence changes on RNA splicing suggest that this variant may disrupt the consensus splice site. This variant has not been reported in the literature in individuals affected with WRN-related conditions. This variant is not present in population databases (gnomAD no frequency). This sequence change falls in intron 2 of the WRN gene. It does not directly change the encoded amino acid sequence of the WRN protein. In summary, the available evidence is currently insufficient to determine the role of this variant in disease. Therefore, it has been classified as a Variant of Uncertain Significance.